The following is an entry in ClinVar:

ClinVar aggregate classification (germline): Uncertain significance (1 of 4 stars; one submission).

Conditions:
Familial meningioma. Also called: Meningioma, familial, susceptibility to. Identifiers: Orphanet 263662, MedGen C3551915, MONDO:0011789, OMIM 607174.

Submission:

Labcorp Genetics (formerly Invitae), Labcorp
Classification: Uncertain significance for Familial meningioma. Last evaluated: 2024-05-06. Review status: criteria provided, single submitter. Criteria: Invitae Variant Classification Sherloc (09022015). Collection method: clinical testing. Allele origin: germline.
Comment: This sequence change replaces glutamine, which is neutral and polar, with arginine, which is basic and polar, at codon 354 of the SMARCE1 protein (p.Gln354Arg). This variant is not present in population databases (gnomAD no frequency). This variant has not been reported in the literature in individuals affected with SMARCE1-related conditions. Advanced modeling of protein sequence and biophysical properties (such as structural, functional, and spatial information, amino acid conservation, physicochemical variation, residue mobility, and thermodynamic stability) performed at Invitae indicates that this missense variant is not expected to disrupt SMARCE1 protein function with a negative predictive value of 80%. In summary, the available evidence is currently insufficient to determine the role of this variant in disease. Therefore, it has been classified as a Variant of Uncertain Significance.

NM_003079.5(SMARCE1):c.1061A>G (p.Gln354Arg)

Gene: SMARCE1 (SWI/SNF related BAF chromatin remodeling complex subunit E1; minus strand). Cytogenetic location: 17q21.2.
Variant type: single nucleotide variant.
Coding change: c.1061A>G on transcript NM_003079.5 (MANE Select); coding-DNA position 1061, A replaced by G.
Protein change: p.Gln354Arg; replaces glutamine 354 with arginine.
Molecular consequence: missense variant.
Genome position (GRCh38, 1-based): chr17:40,628,960, T>C on the plus strand (A>G on the coding strand, the complement: SMARCE1 is on the minus strand). VCF-style: chr17-40628960-T-C. GRCh37 (hg19) VCF-style: chr17-38785212-T-C.
Other names: short protein forms Q354R.
Identifiers: ClinVar variation 2700956 (VCV002700956.3), dbSNP rs2508592862, ClinGen allele CA399361657.